The following is an entry in ClinVar:

ClinVar aggregate classification (germline): Uncertain significance. Review status: criteria provided, multiple submitters, no conflicts (2 of 4 stars). 7 submissions from 7 submitters: Uncertain significance (6). 1 of the submissions does not count toward it. Last evaluated 2024-05-24.

Conditions:
Aplastic anemia. Identifiers: Orphanet 182040, Orphanet 88, MedGen C0002874, MONDO:0015909, OMIM 609135, HP:0001915.
Hereditary cancer-predisposing syndrome. Also called: Neoplastic Syndromes, Hereditary; Hereditary neoplastic syndrome; Tumor predisposition; Hereditary Cancer Syndrome. Identifiers: Orphanet 140162, MedGen C0027672, MeSH D009386, MONDO:0015356.
Microcephaly, normal intelligence and immunodeficiency (NBS). Also called: Immunodeficiency, microcephaly with normal intelligence; Ataxia telangiectasia variant V1; IMMUNODEFICIENCY, MICROCEPHALY, AND CHROMOSOMAL INSTABILITY; BERLIN BREAKAGE SYNDROME; SEEMANOVA SYNDROME II; Nijmegen breakage syndrome. Identifiers: Orphanet 647, MedGen C0398791, MONDO:0009623, OMIM 251260.

Allele frequency attached by ClinVar (database versions not stated): TOPMed 0.00001.
gnomAD v4.1: 7 of 1,612,696 alleles (0.00043%); highest among the groups gnomAD compares: African/African-American, 0.008%; no homozygotes.

Submissions (7):

Ambry Genetics
Classification: Uncertain significance for Hereditary cancer-predisposing syndrome. Last evaluated: 2024-05-24. Review status: criteria provided, single submitter. Criteria: Ambry Variant Classification Scheme 2023. Collection method: clinical testing. Allele origin: germline.
Comment: The p.H733R variant (also known as c.2198A>G), located in coding exon 15 of the NBN gene, results from an A to G substitution at nucleotide position 2198. The histidine at codon 733 is replaced by arginine, an amino acid with highly similar properties. This amino acid position is not well conserved in available vertebrate species. In addition, this alteration is predicted to be tolerated by in silico analysis. Since supporting evidence is limited at this time, the clinical significance of this alteration remains unclear.

Labcorp Genetics (formerly Invitae), Labcorp
Classification: Uncertain significance for Microcephaly, normal intelligence and immunodeficiency. Last evaluated: 2024-01-04. Review status: criteria provided, single submitter. Criteria: Invitae Variant Classification Sherloc (09022015). Collection method: clinical testing. Allele origin: germline.
Comment: This sequence change replaces histidine, which is basic and polar, with arginine, which is basic and polar, at codon 733 of the NBN protein (p.His733Arg). This variant is not present in population databases (gnomAD no frequency). This variant has not been reported in the literature in individuals affected with NBN-related conditions. ClinVar contains an entry for this variant (Variation ID: 530748). An algorithm developed to predict the effect of missense changes on protein structure and function (PolyPhen-2) suggests that this variant¬†is likely to be tolerated. In summary, the available evidence is currently insufficient to determine the role of this variant in disease. Therefore, it has been classified as a Variant of Uncertain Significance.

Baylor Genetics
Classification: Uncertain significance for Aplastic anemia. Last evaluated: 2023-09-05. Review status: criteria provided, single submitter. Criteria: ACMG Guidelines, 2015. Collection method: clinical testing. Allele origin: unknown.

Genome-Nilou Lab
Classification: Uncertain significance for Microcephaly, normal intelligence and immunodeficiency. Last evaluated: 2021-11-07. Review status: criteria provided, single submitter. Criteria: ACMG Guidelines, 2015. Collection method: clinical testing. Allele origin: germline. Affected: no.

GeneDx
Classification: Uncertain significance. Last evaluated: 2019-10-29. Review status: criteria provided, single submitter. Criteria: GeneDx Variant Classification Process June 2021. Collection method: clinical testing. Allele origin: germline. Affected: yes.
Comment: Not observed in large population cohorts (Lek 2016); In silico analysis, which includes protein predictors and evolutionary conservation, supports that this variant does not alter protein structure/function; Has not been previously published as pathogenic or benign to our knowledge

Quest Diagnostics Nichols Institute San Juan Capistrano
Classification: Uncertain significance. Last evaluated: 2019-01-08. Review status: criteria provided, single submitter. Criteria: Quest Diagnostics criteria. Collection method: clinical testing. Allele origin: germline.

Natera, Inc.
Classification: Uncertain significance for Nijmegen breakage syndrome. Last evaluated: 2020-03-12. Review status: no assertion criteria provided. Collection method: clinical testing. Allele origin: germline. Not counted in ClinVar's aggregate classification.

NM_002485.5(NBN):c.2198A>G (p.His733Arg)

Gene: NBN (nibrin; minus strand). Cytogenetic location: 8q21.3.
Variant type: single nucleotide variant.
Coding change: c.2198A>G on transcript NM_002485.5 (MANE Select); coding-DNA position 2198, A replaced by G.
Protein change: p.His733Arg; replaces histidine 733 with arginine.
Molecular consequence: missense variant.
Genome position (GRCh38, 1-based): chr8:89,937,062, T>C on the plus strand (A>G on the coding strand, the complement: NBN is on the minus strand). VCF-style: chr8-89937062-T-C. GRCh37 (hg19) VCF-style: chr8-90949290-T-C.
Other names: c.1952A>G, p.His651Arg (NM_001024688.3); short protein forms H733R, H651R.
Identifiers: ClinVar variation 530748 (VCV000530748.23), dbSNP rs998714046, ClinGen allele CA181268780.